The following is an entry in ClinVar:

ClinVar aggregate classification (germline): Likely pathogenic (1 of 4 stars; one submission).

Submission:

GeneDx
Classification: Likely pathogenic. Last evaluated: 2017-08-02. Review status: criteria provided, single submitter. Criteria: GeneDx Variant Classification (06012015). Collection method: clinical testing. Allele origin: germline. Affected: yes.
Comment: The c.267dupT variant in the FGF10 gene not been reported previously as a pathogenic variant nor as a benign variant, to our knowledge. The c.267dupT variant causes a frameshift starting with codon Leucine 90, changes this amino acid to a Serine residue, and creates a premature Stop codon at position 4 of the new reading frame, denoted p.Leu90SerfsX4. This variant is predicted to cause loss of normal protein function either through protein truncation or nonsense-mediated mRNA decay. The c.267dupT variant is not observed in large population cohorts (Lek et al., 2016; 1000 Genomes Consortium et al., 2015; Exome Variant Server). We interpret c.267dupT as a likely pathogenic variant.

NM_004465.2(FGF10):c.267dup (p.Leu90fs)

Gene: FGF10 (fibroblast growth factor 10; minus strand). Cytogenetic location: 5p12.
Variant type: Duplication.
Coding change: c.267dup on transcript NM_004465.2 (MANE Select); coding-DNA position 267, one base duplicated (T; older notation c.267dupT).
Protein change: p.Leu90fs; shifts the reading frame from leucine 90.
Molecular consequence: frameshift variant.
Genome position (GRCh38, 1-based): chr5:44,388,416, A duplicated on the plus strand (T on the coding strand, the reverse complement: FGF10 is on the minus strand); the first of 3 consecutive A bases (chr5:44,388,416-44,388,418); duplicating any one gives the same sequence. VCF-style (leftmost placement, unchanged base first): chr5-44388415-G-GA. GRCh37 (hg19) VCF-style: chr5-44388517-G-GA.
Other names: c.267dupT (NM_004465.1); short protein forms L90fs.
Identifiers: ClinVar variation 451206 (VCV000451206.2), dbSNP rs1554040360, ClinGen allele CA658657444.